The following is an entry in ClinVar:

NM_000093.5(COL5A1):c.2347C>T (p.Gln783Ter)

Gene: COL5A1 (collagen type V alpha 1 chain; plus strand). Cytogenetic location: 9q34.3.
Variant type: single nucleotide variant.
Coding change: c.2347C>T on transcript NM_000093.5 (MANE Select); coding-DNA position 2347, C replaced by T.
Protein change: p.Gln783Ter; replaces glutamine 783 with a stop codon.
Molecular consequence: nonsense.
Genome position (GRCh38, 1-based): chr9:134,774,874, C>T. VCF-style: chr9-134774874-C-T. GRCh37 (hg19) VCF-style: chr9-137666720-C-T.
Other names: p.Gln783*; c.2347C>T, p.Gln783Ter (NM_001278074.1); short protein forms Q783*.
Identifiers: ClinVar variation 3381060 (VCV003381060.1).

ClinVar aggregate classification (germline): Likely pathogenic (1 of 4 stars; one submission).

Submission:

Mayo Clinic Laboratories, Mayo Clinic
Classification: Likely pathogenic. Last evaluated: 2023-08-08. Review status: criteria provided, single submitter. Criteria: ACMG Guidelines, 2015. Collection method: clinical testing. Allele origin: germline. Observed: 1 variant allele.
Comment: PM2, PVS1